The following is an entry in ClinVar:

ClinVar aggregate classification (germline): Benign/Likely benign. Review status: criteria provided, multiple submitters, no conflicts (2 of 4 stars). 4 submissions from 4 submitters: Benign (3); Likely benign (1). Last evaluated 2026-02-04.

Conditions:
Primary ciliary dyskinesia. Also called: Ciliary dyskinesia. Identifiers: Orphanet 244, MedGen C0008780, MONDO:0016575, HP:0012265.

Submissions (4):

Labcorp Genetics (formerly Invitae), Labcorp
Classification: Benign for Primary ciliary dyskinesia. Last evaluated: 2026-02-04. Review status: criteria provided, single submitter. Criteria: Invitae Variant Classification Sherloc (09022015). Collection method: clinical testing. Allele origin: germline.

Blueprint Genetics
Classification: Likely benign. Last evaluated: 2024-11-28. Review status: criteria provided, single submitter. Criteria: ACMG Guidelines, 2015. Collection method: clinical testing. Allele origin: germline.

PreventionGenetics, part of Exact Sciences
Classification: Benign. Last evaluated: 2019-12-03. Review status: criteria provided, single submitter. Criteria: ACMG Guidelines, 2015. Collection method: clinical testing. Allele origin: germline.

Laboratory for Molecular Medicine, Mass General Brigham Personalized Medicine
Classification: Benign. Last evaluated: 2016-03-28. Review status: criteria provided, single submitter. Criteria: LMM Criteria. Collection method: clinical testing. Allele origin: germline.
Comment: Variant identified in a genome or exome case(s) and assessed due to predicted null impact of the variant or pathogenic assertions in the literature or databases. Disclaimer: This variant has not undergone full assessment. The following are preliminary notes: Frequency

NM_001034853.2(RPGR):c.3060_3071del (p.1021_1024VEGE[1])

Gene: RPGR (retinitis pigmentosa GTPase regulator; minus strand). Cytogenetic location: Xp11.4.
Variant type: Deletion.
Coding change: c.3060_3071del on transcript NM_001034853.2 (MANE Select); coding-DNA positions 3060 to 3071, 12 bases deleted (AGTGGAAGGGGA).
Protein change: p.1021_1024VEGE[1].
Molecular consequence: inframe deletion. On other transcripts: intron variant (8).
Genome position (GRCh38, 1-based): chrX:38,285,928-38,285,939, TCCCCTTCCACT deleted on the plus strand (AGTGGAAGGGGA on the coding strand, the reverse complement: RPGR is on the minus strand); deleting any 12 consecutive bases within chrX:38,285,928-38,285,948 gives the same sequence; the c. name uses the placement nearest the transcript's 3' end. VCF-style (leftmost placement, unchanged base first): chrX-38285927-CTCCCCTTCCACT-C. GRCh37 (hg19) VCF-style: chrX-38145180-CTCCCCTTCCACT-C.
Other names: c.1569+5020_1569+5031del (NM_001367249.1, NM_001367250.1); c.1902+1155_1902+1166del (NM_001367245.1); c.1386+5020_1386+5031del (NM_001367251.1); c.1719+1155_1719+1166del (NM_001367246.1); c.1572+5020_1572+5031del (NM_001367247.1); c.1905+1155_1905+1166del (NM_000328.3); c.1602+5020_1602+5031del (NM_001367248.1).
Identifiers: ClinVar variation 403391 (VCV000403391.14), dbSNP rs199896738, ClinGen allele CA10385211.